The following is an entry in ClinVar:

NM_001004334.4(GPR179):c.6924T>G (p.Gly2308=)

Gene: GPR179 (G protein-coupled receptor 179; minus strand). Cytogenetic location: 17q12.
Variant type: single nucleotide variant.
Coding change: c.6924T>G on transcript NM_001004334.4 (MANE Select); coding-DNA position 6924, T replaced by G.
Protein change: p.Gly2308=; no amino-acid change (glycine 2308 retained).
Molecular consequence: synonymous variant.
Genome position (GRCh38, 1-based): chr17:38,326,645, A>C on the plus strand (T>G on the coding strand, the complement: GPR179 is on the minus strand). VCF-style: chr17-38326645-A-C. GRCh37 (hg19) VCF-style: chr17-36482528-A-C.
Other names: c.6924T>G (NM_001004334.3).
Identifiers: ClinVar variation 1528771 (VCV001528771.9), dbSNP rs751255157, ClinGen allele CA290102740.
Genomic context (GRCh38, chr17:38,326,645, plus strand): 5'-TGGCTCTGGGGCTAAGCTGGTCCTTGGCTCAAGCCCTGAAGGTCCTTGTAGTTCTCTGAC[A>C]CCTTCTAGAGTGAAAGTACTGGCTGGCCTGCTTACCTTGGGGCAGGGGATTTTGCTTTCT-3'
Protein context (NP_001004334.3, residues 2298-2318): SRPASTFTLE[Gly2308=]VRELQGPSGL

ClinVar aggregate classification (germline): Likely benign. Review status: criteria provided, multiple submitters, no conflicts (2 of 4 stars). 2 submissions from 2 submitters: Likely benign (2). Last evaluated 2026-06-27.

Conditions:
GPR179-related disorder. Also called: GPR179-related condition.

Allele frequency attached by ClinVar (database versions not stated): ExAC 0.00002.
gnomAD v4.1: 11 of 1,614,056 alleles (0.00068%); highest among the groups gnomAD compares: Admixed American, 0.018%; no homozygotes.

Submissions (2):

PreventionGenetics, part of Exact Sciences
Classification: Likely benign for GPR179-related condition. Last evaluated: 2026-06-27. Review status: criteria provided, single submitter. Criteria: ACMG Guidelines, 2015. Collection method: clinical testing. Allele origin: germline.
Comment: This variant is classified as likely benign based on ACMG/AMP sequence variant interpretation guidelines (Richards et al. 2015 PMID: 25741868, with internal and published modifications).

Labcorp Genetics (formerly Invitae), Labcorp
Classification: Likely benign. Last evaluated: 2025-02-09. Review status: criteria provided, single submitter. Criteria: Invitae Variant Classification Sherloc (09022015). Collection method: clinical testing. Allele origin: germline.